The following is an entry in ClinVar:

ClinVar aggregate classification (germline): Uncertain significance. Review status: criteria provided, multiple submitters, no conflicts (2 of 4 stars). 2 submissions from 2 submitters: Uncertain significance (2). Last evaluated 2025-06-12.

Allele frequency attached by ClinVar (database versions not stated): gnomAD exomes 0.00002; ExAC 0.00003; gnomAD 0.00003.
gnomAD v4.1: 30 of 1,579,706 alleles (0.0019%); highest among the groups gnomAD compares: East Asian, 0.012%; no homozygotes.

Submissions (2):

Labcorp Genetics (formerly Invitae), Labcorp
Classification: Uncertain significance. Last evaluated: 2025-06-12. Review status: criteria provided, single submitter. Criteria: Invitae Variant Classification Sherloc (09022015). Collection method: clinical testing. Allele origin: germline.
Comment: This sequence change replaces arginine, which is basic and polar, with cysteine, which is neutral and slightly polar, at codon 921 of the SLC12A2 protein (p.Arg921Cys). This variant is present in population databases (rs778158149, gnomAD 0.05%). This variant has not been reported in the literature in individuals affected with SLC12A2-related conditions. ClinVar contains an entry for this variant (Variation ID: 2172015). Invitae Evidence Modeling of protein sequence and biophysical properties (such as structural, functional, and spatial information, amino acid conservation, physicochemical variation, residue mobility, and thermodynamic stability) indicates that this missense variant is not expected to disrupt SLC12A2 protein function with a negative predictive value of 80%. In summary, the available evidence is currently insufficient to determine the role of this variant in disease. Therefore, it has been classified as a Variant of Uncertain Significance.

Revvity Omics, Revvity
Classification: Uncertain significance. Last evaluated: 2025-01-09. Review status: criteria provided, single submitter. Criteria: ACMG Guidelines, 2015. Collection method: clinical testing. Allele origin: germline.

NM_001046.3(SLC12A2):c.2761C>T (p.Arg921Cys)

Gene: SLC12A2 (solute carrier family 12 member 2; plus strand). Cytogenetic location: 5q23.3.
Variant type: single nucleotide variant.
Coding change: c.2761C>T on transcript NM_001046.3 (MANE Select); coding-DNA position 2761, C replaced by T.
Protein change: p.Arg921Cys; replaces arginine 921 with cysteine.
Molecular consequence: missense variant. On other transcripts: non-coding transcript variant (1).
Genome position (GRCh38, 1-based): chr5:128,171,704, C>T. VCF-style: chr5-128171704-C-T. GRCh37 (hg19) VCF-style: chr5-127507396-C-T.
Other names: c.2761C>T, p.Arg921Cys (NM_001256461.2); short protein forms R921C.
Identifiers: ClinVar variation 2172015 (VCV002172015.5), dbSNP rs778158149, ClinGen allele CA3393453.
Genomic context (GRCh38, chr5:128,171,704, plus strand): 5'-ATTTTTTGTTTTTTTGTTCTTAGTGATGCTTTTGACATACAATATGGAGTAGTGGTTATT[C>T]GCCTAAAAGAAGGTCTGGATATATCTCATCTTCAAGGACAAGGTAAATTTTGTTGGCAAT-3'
Protein context (NP_001037.1, residues 911-931): FDIQYGVVVI[Arg921Cys]LKEGLDISHL